The following is an entry in ClinVar:

NM_005477.3(HCN4):c.394A>G (p.Ile132Val)

Gene: HCN4 (hyperpolarization activated cyclic nucleotide gated potassium channel 4; minus strand). Cytogenetic location: 15q24.1.
Variant type: single nucleotide variant.
Coding change: c.394A>G on transcript NM_005477.3 (MANE Select); coding-DNA position 394, A replaced by G.
Protein change: p.Ile132Val; replaces isoleucine 132 with valine.
Molecular consequence: missense variant.
Genome position (GRCh38, 1-based): chr15:73,367,877, T>C on the plus strand (A>G on the coding strand, the complement: HCN4 is on the minus strand). VCF-style: chr15-73367877-T-C. GRCh37 (hg19) VCF-style: chr15-73660218-T-C.
Other names: short protein forms I132V.
Identifiers: ClinVar variation 4802404 (VCV004802404.1).
Genomic context (GRCh38, chr15:73,367,877, plus strand): 5'-GCTCGGCCGCCAGGCCTGGGGGCGTCCTGTCCTCGCCGGGGGACGCGTCGCCCTCGGCGA[T>C]GAGCCGCCGCTCCTCCGCGGAGTCATGCAGGTGTCCGTGACTGCTGCCGCTCCCCGTGCC-3'
Protein context (NP_005468.1, residues 122-142): LHDSAEERRL[Ile132Val]AEGDASPGED

ClinVar aggregate classification (germline): Uncertain significance (1 of 4 stars; one submission).

Conditions:
Brugada syndrome 8 (BRGDA8). Identifiers: Orphanet 130, MedGen C2751083, MONDO:0013148, OMIM 613123.

Submission:

Labcorp Genetics (formerly Invitae), Labcorp
Classification: Uncertain significance for Brugada syndrome 8. Last evaluated: 2025-04-26. Review status: criteria provided, single submitter. Criteria: Invitae Variant Classification Sherloc (09022015). Collection method: clinical testing. Allele origin: germline.
Comment: This sequence change replaces isoleucine, which is neutral and non-polar, with valine, which is neutral and non-polar, at codon 132 of the HCN4 protein (p.Ile132Val). This variant is not present in population databases (gnomAD no frequency). This variant has not been reported in the literature in individuals affected with HCN4-related conditions. Invitae Evidence Modeling of protein sequence and biophysical properties (such as structural, functional, and spatial information, amino acid conservation, physicochemical variation, residue mobility, and thermodynamic stability) has been performed for this missense variant. However, the output from this modeling did not meet the statistical confidence thresholds required to predict the impact of this variant on HCN4 protein function. In summary, the available evidence is currently insufficient to determine the role of this variant in disease. Therefore, it has been classified as a Variant of Uncertain Significance.